The following is an entry in ClinVar:

NM_000426.4(LAMA2):c.3290A>G (p.His1097Arg)

Gene: LAMA2 (laminin subunit alpha 2; plus strand). Cytogenetic location: 6q22.33.
Variant type: single nucleotide variant.
Coding change: c.3290A>G on transcript NM_000426.4 (MANE Select); coding-DNA position 3290, A replaced by G.
Protein change: p.His1097Arg; replaces histidine 1097 with arginine.
Molecular consequence: missense variant.
Genome position (GRCh38, 1-based): chr6:129,312,976, A>G. VCF-style: chr6-129312976-A-G. GRCh37 (hg19) VCF-style: chr6-129634121-A-G.
Other names: c.3290A>G, p.His1097Arg (NM_001079823.2); short protein forms H1097R.
Identifiers: ClinVar variation 477460 (VCV000477460.2), dbSNP rs370218452, ClinGen allele CA3993227.

ClinVar aggregate classification (germline): Uncertain significance (1 of 4 stars; one submission).

Conditions:
LAMA2-related muscular dystrophy (LAMA2-RD). Also called: Laminin alpha 2-related dystrophy. Identifiers: MedGen C5679788, MONDO:0100228.

Allele frequency attached by ClinVar (database versions not stated): gnomAD exomes below 0.00001 and 0.00001; ExAC 0.00001; ESP Exome Variant Server 0.00008.
gnomAD v4.1: 5 of 1,614,160 alleles (0.00031%); highest among the groups gnomAD compares: Non-Finnish European, 0.00042%; no homozygotes.

Submission:

Labcorp Genetics (formerly Invitae), Labcorp
Classification: Uncertain significance for LAMA2-related muscular dystrophy. Last evaluated: 2021-08-28. Review status: criteria provided, single submitter. Criteria: Invitae Variant Classification Sherloc (09022015). Collection method: clinical testing. Allele origin: germline.
Comment: This sequence change replaces histidine with arginine at codon 1097 of the LAMA2 protein (p.His1097Arg). The histidine residue is weakly conserved and there is a small physicochemical difference between histidine and arginine. This variant is present in population databases (rs370218452, ExAC 0.001%). This variant has not been reported in the literature in individuals affected with LAMA2-related conditions. Algorithms developed to predict the effect of missense changes on protein structure and function (SIFT, PolyPhen-2, Align-GVGD) all suggest that this variant is likely to be tolerated. In summary, the available evidence is currently insufficient to determine the role of this variant in disease. Therefore, it has been classified as a Variant of Uncertain Significance.